The following is an entry in ClinVar:

NM_001365276.2(TNXB):c.9072C>T (p.His3024=)

Gene: TNXB (tenascin XB; minus strand). Cytogenetic location: 6p21.33.
Variant type: single nucleotide variant.
Coding change: c.9072C>T on transcript NM_001365276.2 (MANE Select); coding-DNA position 9072, C replaced by T.
Protein change: p.His3024=; no amino-acid change (histidine 3024 retained).
Molecular consequence: synonymous variant.
Genome position (GRCh38, 1-based): chr6:32,052,713, G>A on the plus strand (C>T on the coding strand, the complement: TNXB is on the minus strand). VCF-style: chr6-32052713-G-A. GRCh37 (hg19) VCF-style: chr6-32020490-G-A.
Other names: p.His3022=; c.9066C>T, p.His3022= (NM_019105.8).
Identifiers: ClinVar variation 1205429 (VCV001205429.12), dbSNP rs61729739, ClinGen allele CA3733657.

ClinVar aggregate classification (germline): Benign/Likely benign. Review status: criteria provided, multiple submitters, no conflicts (2 of 4 stars). 7 submissions from 7 submitters: Benign (3); Likely benign (4). Last evaluated 2026-01-28.

Conditions:
Ehlers-Danlos syndrome (EDS). Identifiers: Orphanet 98249, MedGen C0013720, MONDO:0020066.
Cardiovascular phenotype. Identifiers: MedGen CN230736.

Allele frequency attached by ClinVar (database versions not stated): 1000 Genomes Project 0.00260; 1000 Genomes Project 30x 0.00312; gnomAD 0.00472 and 0.00518; TOPMed 0.00543; ESP Exome Variant Server 0.00635.
gnomAD v4.1: 1,329 of 1,613,652 alleles (0.082%); highest among the groups gnomAD compares: African/African-American, 1.5%; 12 homozygotes.

Submissions (7):

Labcorp Genetics (formerly Invitae), Labcorp
Classification: Benign. Last evaluated: 2026-01-28. Review status: criteria provided, single submitter. Criteria: Invitae Variant Classification Sherloc (09022015). Collection method: clinical testing. Allele origin: germline.

Women's Health and Genetics/Laboratory Corporation of America, LabCorp
Classification: Likely benign. Last evaluated: 2026-01-22. Review status: criteria provided, single submitter. Criteria: LabCorp Variant Classification Summary - May 2015. Collection method: clinical testing. Allele origin: germline.

Blueprint Genetics
Classification: Likely benign. Last evaluated: 2024-11-13. Review status: criteria provided, single submitter. Criteria: ACMG Guidelines, 2015. Collection method: clinical testing. Allele origin: germline.

Mayo Clinic Laboratories, Mayo Clinic
Classification: Benign. Last evaluated: 2023-02-01. Review status: criteria provided, single submitter. Criteria: ACMG Guidelines, 2015. Collection method: clinical testing. Allele origin: germline. Observed: 10 variant alleles.
Comment: BS1, BS2, BP4, BP7

Genome Diagnostics Laboratory, The Hospital for Sick Children
Classification: Likely benign for Ehlers-Danlos syndrome. Last evaluated: 2022-02-17. Review status: criteria provided, single submitter. Criteria: ACMG Guidelines, 2015. Collection method: clinical testing. Allele origin: germline.

GeneDx
Classification: Likely benign. Last evaluated: 2021-04-23. Review status: criteria provided, single submitter. Criteria: GeneDx Variant Classification Process June 2021. Collection method: clinical testing. Allele origin: germline. Affected: yes.

Ambry Genetics
Classification: Benign for Cardiovascular phenotype. Last evaluated: 2019-05-03. Review status: criteria provided, single submitter. Criteria: Ambry Variant Classification Scheme 2023. Collection method: clinical testing. Allele origin: germline.